The following is an entry in ClinVar:

ClinVar aggregate classification (germline): Pathogenic; other. Review status: criteria provided, multiple submitters, no conflicts (2 of 4 stars). 19 submissions from 16 submitters: Pathogenic (10). 8 of the submissions do not count toward it. Last evaluated 2026-09-08.

Conditions:
Mitochondrial complex I deficiency, nuclear type 21. Also called: Mitochondrial complex 1 deficiency, nuclear type 21. Identifiers: MedGen C4748792, MONDO:0032625, OMIM 618242.
SERPINA1-related disorder. Also called: SERPINA1-related condition; SerpinA1-related disorders.
Alpha-1-antitrypsin deficiency (A1ATD). Also called: Alpha1-Antitrypsin Deficiency; AAT deficiency; A1AT deficiency. Identifiers: Orphanet 60, MedGen C0221757, MONDO:0013282, OMIM 613490.
PI P(DUARTE).
PI P(LOWELL).
PI NULL(CARDIFF).
PI Q0(CARDIFF).

Allele frequency attached by ClinVar (database versions not stated): gnomAD 0.00033 and 0.00034; ExAC 0.00044; TOPMed 0.00045; gnomAD exomes 0.00047; ESP Exome Variant Server 0.00062.
gnomAD v4.1: 592 of 1,614,164 alleles (0.037%); highest among the groups gnomAD compares: Middle Eastern, 0.066%; 1 homozygote.

Submissions 1 to 18 of 19:

PreventionGenetics, part of Exact Sciences
Classification: Pathogenic for SERPINA1-related condition. Last evaluated: 2026-09-08. Review status: criteria provided, single submitter. Criteria: ACMG Guidelines, 2015. Collection method: clinical testing. Allele origin: germline.
Comment: The SERPINA1 c.839A>T variant is predicted to result in the amino acid substitution p.Asp280Val. This variant has been reported to be causative for autosomal recessive alpha-1-antitrypsin deficiency (Silva et al. 2016. PubMed ID: 27296815, reported as p.Asp256Val; Graham et al. 2015. PubMed ID: 26321041). This variant is reported in 0.34% of alleles in individuals of Ashkenazi Jewish descent in gnomAD. This variant is interpreted as pathogenic.

Labcorp Genetics (formerly Invitae), Labcorp
Classification: Pathogenic for Alpha-1-antitrypsin deficiency. Last evaluated: 2026-01-28. Review status: criteria provided, single submitter. Criteria: Invitae Variant Classification Sherloc (09022015). Collection method: clinical testing. Allele origin: germline.
Comment: This sequence change replaces aspartic acid, which is acidic and polar, with valine, which is neutral and non-polar, at codon 280 of the SERPINA1 protein (p.Asp280Val). This variant is present in population databases (rs121912714, gnomAD 0.3%), and has an allele count higher than expected for a pathogenic variant. This missense change has been observed in individual(s) with alpha-1 antitrypsin deficiency (AATD) (PMID: 2240842, 2787118, 2831367, 8364590, 15744045, 17906067, 26321041, 27296815). It has also been observed to segregate with disease in related individuals. This variant is also known as p.Asp256Val, PI*Lowell allele, PI*Duarte allele, or PI*Null Cardiff allele. ClinVar contains an entry for this variant (Variation ID: 17975). Invitae Evidence Modeling of protein sequence and biophysical properties (such as structural, functional, and spatial information, amino acid conservation, physicochemical variation, residue mobility, and thermodynamic stability) has been performed for this missense variant. However, the output from this modeling did not meet the statistical confidence thresholds required to predict the impact of this variant on SERPINA1 protein function. Experimental studies have shown that this missense change affects SERPINA1 function (PMID: 2240842, 14767073, 15949707). For these reasons, this variant has been classified as Pathogenic.

Dasa
Classification: Pathogenic. Last evaluated: 2025-09-18. Review status: criteria provided, single submitter. Criteria: DASA Assertion Criteria. Collection method: clinical testing. Allele origin: germline.
Comment: NM_000295.5(SERPINA1):c.839A>T (p.Asp280Val) is a missense variant that results in the substitution of aspartic acid with valine. Functional evidence supports a deleterious effect on the gene or gene product (PMID: 2240842; PMID: 14767073; PMID: 15949707; PMID: 2787118; PMID: 15744045). This variant has been recurrently observed in individuals with related phenotype (PMID: 2240842; PMID: 14767073; PMID: 15949707; PMID: 2787118; PMID: 15744045). The variant is present at low frequency in population datasets. Based on the available data, this variant is classified as pathogenic.

Genomic Medicine Center of Excellence, King Faisal Specialist Hospital and Research Centre
Classification: Pathogenic for Mitochondrial complex I deficiency, nuclear type 21. Last evaluated: 2025-09-10. Review status: criteria provided, single submitter. Criteria: ACMG Guidelines, 2015. Collection method: clinical testing. Allele origin: germline.

GeneDx
Classification: Pathogenic. Last evaluated: 2025-04-30. Review status: criteria provided, single submitter. Criteria: GeneDx Variant Classification Process June 2021. Collection method: clinical testing. Allele origin: germline. Affected: yes.
Comment: Published functional studies demonstrate a damaging effect due to impaired secretion of mutant protein (PMID: 15949707, 2240842); In silico analysis supports that this missense variant has a deleterious effect on protein structure/function; This variant is associated with the following publications: (PMID: 14767073, 31661293, 2787118, 21474916, 8364590, 1504305, 25637381, 2606478, 2696185, 15744045, 2831367, 2240842, 17906067, 26321041, 29882371, 27296815, 26987331, 27264265, 31447099, 31980526, 34426522, 31589614, 34308104, 34828384, 15949707, 32191290)

Blueprint Genetics
Classification: Pathogenic for SERPINA1-related disorders. Last evaluated: 2024-11-20. Review status: criteria provided, single submitter. Criteria: ACMG Guidelines, 2015. Collection method: clinical testing. Allele origin: germline. Affected: yes. Observed: 5 variant alleles.

Women's Health and Genetics/Laboratory Corporation of America, LabCorp
Classification: Pathogenic for Alpha-1-antitrypsin deficiency. Last evaluated: 2024-08-01. Review status: criteria provided, single submitter. Criteria: LabCorp Variant Classification Summary - May 2015. Collection method: clinical testing. Allele origin: germline.
Comment: Variant summary: SERPINA1 c.839A>T (p.Asp280Val) results in a non-conservative amino acid change located in the Serpin domain (IPR023796) of the encoded protein sequence. Five of five in-silico tools predict a damaging effect of the variant on protein function. The variant allele was found at a frequency of 0.00047 in 251490 control chromosomes. This frequency is not significantly higher than estimated for a pathogenic variant in SERPINA1 causing Alpha-1-Antitrypsin Deficiency (0.00047 vs 0.005), allowing no conclusion about variant significance. c.839A>T has been reported in the literature in multiple individuals affected with Alpha-1-Antitrypsin Deficiency (examples: Faber_1989, Holmes_1990,Grahm_2015, Silva_2016,Ortega_2020). These data indicate that the variant is very likely to be associated with disease. At least one publication reports experimental evidence that this variant causes a protein folding defect (Jung_2004). The following publications have been ascertained in the context of this evaluation (PMID: 14767073, 2240842, 2787118, 27296815, 31661293, 26321041). ClinVar contains an entry for this variant (Variation ID: 17975). Based on the evidence outlined above, the variant was classified as pathogenic.

Institute of Immunology and Genetics Kaiserslautern
Classification: Pathogenic for Alpha-1-antitrypsin deficiency. Last evaluated: 2024-03-12. Review status: criteria provided, single submitter. Criteria: ACMG Guidelines, 2015. Collection method: clinical testing. Allele origin: maternal.
Comment: ACMG Criteria: PS3, PS4_M, PM3, PP3, PP5.

Mendelics
Classification: Pathogenic for Alpha-1-antitrypsin deficiency. Last evaluated: 2022-08-08. Review status: criteria provided, single submitter. Criteria: Mendelics Assertion Criteria 2017. Collection method: clinical testing. Allele origin: unknown.

Revvity Omics, Revvity
Classification: Pathogenic for Alpha-1-antitrypsin deficiency. Last evaluated: 2020-02-07. Review status: criteria provided, single submitter. Criteria: ACMG Guidelines, 2015. Collection method: clinical testing. Allele origin: germline.

Eurofins Ntd Llc (ga)
Classification: other. Last evaluated: 2016-06-22. Review status: criteria provided, single submitter. Criteria: EGL Classification Definitions 2015. Collection method: clinical testing. Allele origin: germline. Observed: 4 variant alleles, 4 heterozygotes.

OMIM
Classification: other for PI P(LOWELL). Last evaluated: 2016-07-15. Review status: no assertion criteria provided. Collection method: literature only. Allele origin: germline. Not counted in ClinVar's aggregate classification.

OMIM
Classification: other for PI NULL(CARDIFF). Last evaluated: 2016-07-15. Review status: no assertion criteria provided. Collection method: literature only. Allele origin: germline. Not counted in ClinVar's aggregate classification.

OMIM
Classification: other for PI Q0(CARDIFF). Last evaluated: 2016-07-15. Review status: no assertion criteria provided. Collection method: literature only. Allele origin: germline. Not counted in ClinVar's aggregate classification.

OMIM
Classification: other for PI P(DUARTE). Last evaluated: 2016-07-15. Review status: no assertion criteria provided. Collection method: literature only. Allele origin: germline. Not counted in ClinVar's aggregate classification.

Counsyl
Classification: Likely pathogenic for Alpha-1-antitrypsin deficiency. Last evaluated: 2016-03-09. Review status: no assertion criteria provided. Collection method: clinical testing. Allele origin: unknown. Not counted in ClinVar's aggregate classification.

Department of Laboratory Medicine and Genetics, Trillium Health Partners Credit Valley Hospital
Classification: Pathogenic for Alpha-1-antitrypsin deficiency. Last evaluated: 2014-12-08. Review status: no assertion criteria provided. Collection method: curation. Allele origin: germline. Affected: yes. Not counted in ClinVar's aggregate classification.

CSER _CC_NCGL, University of Washington
Classification: Likely pathogenic for Antitrypsin alpha 1 deficiency. Last evaluated: 2014-06-01. Review status: no assertion criteria provided. Collection method: research. Allele origin: germline. Inheritance: Autosomal recessive inheritance. Study: ESP 6500 variant annotation. Not counted in ClinVar's aggregate classification.
Comment: Variants classified for the Actionable exomic incidental findings in 6503 participants: challenges of variant classification manuscript

NM_001127701.1(SERPINA1):c.839A>T (p.Asp280Val)

Gene: SERPINA1 (serpin family A member 1; minus strand). Cytogenetic location: 14q32.13.
Variant type: single nucleotide variant.
Coding change: c.839A>T on transcript NM_001127701.1; coding-DNA position 839, A replaced by T.
Protein change: p.Asp280Val; replaces aspartic acid 280 with valine.
Molecular consequence: missense variant (on NM_000295.5).
Genome position (GRCh38, 1-based): chr14:94,380,949, T>A on the plus strand (A>T on the coding strand, the complement: SERPINA1 is on the minus strand). VCF-style: chr14-94380949-T-A. GRCh37 (hg19) VCF-style: chr14-94847286-T-A.
Other names: PI NULL(CARDIFF); PI Q0(CARDIFF); D256V; PI P(DUARTE); SERPINA1, ASP256VAL ON M1V; c.839A>T, p.Asp280Val (NM_000295.5, NM_001002235.3, NM_001002236.3 and 8 more transcripts); short protein forms D280V.
Identifiers: ClinVar variation 17975 (VCV000017975.42), dbSNP rs121912714, ClinGen allele CA127689.